The following is an entry in ClinVar:

ClinVar aggregate classification (germline): Uncertain significance. Review status: criteria provided, multiple submitters, no conflicts (2 of 4 stars). 3 submissions from 3 submitters: Uncertain significance (3). Last evaluated 2021-08-24.

Conditions:
Dystonic disorder. Also called: Dystonia. Identifiers: MedGen C0013421, MONDO:0003441, HP:0001332.
Dopa-responsive dystonia due to sepiapterin reductase deficiency. Also called: SPR DEFICIENCY; Sepiapterin reductase deficiency; DYT-SPR. Identifiers: Orphanet 70594, MedGen C0268468, MONDO:0012994, OMIM 612716.

Allele frequency attached by ClinVar (database versions not stated): ExAC 0.00002; TOPMed 0.00004; gnomAD 0.00008.

Submissions (3):

Labcorp Genetics (formerly Invitae), Labcorp
Classification: Uncertain significance for Dystonic disorder. Last evaluated: 2021-08-24. Review status: criteria provided, single submitter. Criteria: Invitae Variant Classification Sherloc (09022015). Collection method: clinical testing. Allele origin: germline.
Comment: This sequence change replaces serine with cysteine at codon 103 of the SPR protein (p.Ser103Cys). The serine residue is weakly conserved and there is a moderate physicochemical difference between serine and cysteine. This variant is present in population databases (rs748740519, ExAC 0.009%). This variant has not been reported in the literature in individuals affected with SPR-related conditions. Algorithms developed to predict the effect of missense changes on protein structure and function (SIFT, PolyPhen-2, Align-GVGD) all suggest that this variant is likely to be disruptive. In summary, the available evidence is currently insufficient to determine the role of this variant in disease. Therefore, it has been classified as a Variant of Uncertain Significance.

GeneDx
Classification: Uncertain significance. Last evaluated: 2021-06-25. Review status: criteria provided, single submitter. Criteria: GeneDx Variant Classification Process June 2021. Collection method: clinical testing. Allele origin: germline. Affected: yes.
Comment: In silico analysis supports that this missense variant has a deleterious effect on protein structure/function; Has not been previously published as pathogenic or benign to our knowledge; This variant is associated with the following publications: (PMID: 27535533)

Centre for Mendelian Genomics, University Medical Centre Ljubljana
Classification: Uncertain significance for Dopa-responsive dystonia due to sepiapterin reductase deficiency. Last evaluated: 2018-12-06. Review status: criteria provided, single submitter. Criteria: ACMG Guidelines, 2015. Collection method: clinical testing. Allele origin: unknown. Affected: yes.
Comment: This variant was classified as: Uncertain significance. The available evidence on this variant's pathogenicity is insufficient or conflicting. The following ACMG criteria were applied in classifying this variant: PP3.

NM_003124.5(SPR):c.308C>G (p.Ser103Cys)

Gene: SPR (sepiapterin reductase; plus strand). Cytogenetic location: 2p13.2.
Variant type: single nucleotide variant.
Coding change: c.308C>G on transcript NM_003124.5 (MANE Select); coding-DNA position 308, C replaced by G.
Protein change: p.Ser103Cys; replaces serine 103 with cysteine.
Molecular consequence: missense variant.
Genome position (GRCh38, 1-based): chr2:72,888,317, C>G. VCF-style: chr2-72888317-C-G. GRCh37 (hg19) VCF-style: chr2-73115446-C-G.
Other names: short protein forms S103C.
Identifiers: ClinVar variation 863750 (VCV000863750.11), dbSNP rs748740519, ClinGen allele CA1708931.